The following is an entry in ClinVar:

ClinVar aggregate classification (germline): Likely benign. Review status: criteria provided, multiple submitters, no conflicts (2 of 4 stars). 2 submissions from 2 submitters: Likely benign (2). Last evaluated 2023-02-02.

gnomAD v4.1: 18 of 1,613,674 alleles (0.0011%); highest among the groups gnomAD compares: African/African-American, 0.0067%; no homozygotes.

Submissions (2):

Labcorp Genetics (formerly Invitae), Labcorp
Classification: Likely benign. Last evaluated: 2023-02-02. Review status: criteria provided, single submitter. Criteria: Invitae Variant Classification Sherloc (09022015). Collection method: clinical testing. Allele origin: germline.

CeGaT Center for Human Genetics Tuebingen
Classification: Likely benign. Last evaluated: 2022-04-01. Review status: criteria provided, single submitter. Criteria: CeGaT Center For Human Genetics Tuebingen Variant Classification Criteria Version 2. Collection method: clinical testing. Allele origin: germline. Affected: yes. Observed: 1 variant allele.
Comment: ANO10: BP4, BP7

NM_018075.5(ANO10):c.1683G>A (p.Thr561=)

Gene: ANO10 (anoctamin 10; minus strand). Cytogenetic location: 3p22.1.
Variant type: single nucleotide variant.
Coding change: c.1683G>A on transcript NM_018075.5 (MANE Select); coding-DNA position 1683, G replaced by A.
Protein change: p.Thr561=; no amino-acid change (threonine 561 retained).
Molecular consequence: synonymous variant.
Genome position (GRCh38, 1-based): chr3:43,549,834, C>T on the plus strand (G>A on the coding strand, the complement: ANO10 is on the minus strand). VCF-style: chr3-43549834-C-T. GRCh37 (hg19) VCF-style: chr3-43591326-C-T.
Other names: c.1683G>A, p.Thr561= (NM_001204831.3, NM_001346465.2, NM_001346468.2); c.1485G>A, p.Thr495= (NM_001204832.3, NM_001346466.2, NM_001346469.2); c.1350G>A, p.Thr450= (NM_001204833.3); c.1113G>A, p.Thr371= (NM_001204834.3); c.1800G>A, p.Thr600= (NM_001346463.2, NM_001346464.2, NM_001346467.2).
Identifiers: ClinVar variation 2653720 (VCV002653720.27), dbSNP rs141040660, ClinGen allele CA2340699.